The following is an entry in ClinVar:

NM_001127178.3(PIGG):c.1640G>T (p.Trp547Leu)

Gene: PIGG (phosphatidylinositol glycan anchor biosynthesis class G (EMM blood group); plus strand). Cytogenetic location: 4p16.3.
Variant type: single nucleotide variant.
Coding change: c.1640G>T on transcript NM_001127178.3 (MANE Select); coding-DNA position 1640, G replaced by T.
Protein change: p.Trp547Leu; replaces tryptophan 547 with leucine.
Molecular consequence: missense variant. On other transcripts: non-coding transcript variant (7).
Genome position (GRCh38, 1-based): chr4:523,484, G>T. VCF-style: chr4-523484-G-T. GRCh37 (hg19) VCF-style: chr4-517273-G-T.
Other names: c.1373G>T, p.Trp458Leu (NM_001289051.2, NM_001345986.2); c.1241G>T, p.Trp414Leu (NM_001289052.2); c.1349G>T, p.Trp450Leu (NM_001345987.2); c.611G>T, p.Trp204Leu (NM_001345988.2); c.107G>T, p.Trp36Leu (NM_001345990.2, NM_001345991.2); c.542G>T, p.Trp181Leu (NM_001345994.2); c.1616G>T, p.Trp539Leu (NM_017733.5); short protein forms W204L, W450L, W458L, W547L, W36L, W414L, W539L, W181L.
Identifiers: ClinVar variation 1358086 (VCV001358086.8), dbSNP rs547951371, ClinGen allele CA355906484.

ClinVar aggregate classification (germline): Uncertain significance (1 of 4 stars; one submission).

Conditions:
Intellectual disability, autosomal recessive 53 (NEDHSCA). Also called: NEURODEVELOPMENTAL DISORDER WITH OR WITHOUT HYPOTONIA, SEIZURES, AND CEREBELLAR ATROPHY; GLYCOSYLPHOSPHATIDYLINOSITOL BIOSYNTHESIS DEFECT 13; Mental retardation, autosomal recessive 53. Identifiers: Orphanet 488635, MedGen C4310794, MONDO:0014832, OMIM 616917.

Submission:

Labcorp Genetics (formerly Invitae), Labcorp
Classification: Uncertain significance for Intellectual disability, autosomal recessive 53. Last evaluated: 2025-01-27. Review status: criteria provided, single submitter. Criteria: Invitae Variant Classification Sherloc (09022015). Collection method: clinical testing. Allele origin: germline.
Comment: This sequence change replaces tryptophan, which is neutral and slightly polar, with leucine, which is neutral and non-polar, at codon 547 of the PIGG protein (p.Trp547Leu). This variant is not present in population databases (gnomAD no frequency). This variant has not been reported in the literature in individuals affected with PIGG-related conditions. ClinVar contains an entry for this variant (Variation ID: 1358086). Invitae Evidence Modeling of protein sequence and biophysical properties (such as structural, functional, and spatial information, amino acid conservation, physicochemical variation, residue mobility, and thermodynamic stability) indicates that this missense variant is not expected to disrupt PIGG protein function with a negative predictive value of 80%. In summary, the available evidence is currently insufficient to determine the role of this variant in disease. Therefore, it has been classified as a Variant of Uncertain Significance.